The following is an entry in ClinVar:

NM_002878.4(RAD51D):c.634G>T (p.Val212Phe)

Genes: RAD51D (RAD51 paralog D; minus strand), RAD51L3-RFFL (RAD51L3-RFFL readthrough; minus strand). Cytogenetic location: 17q12.
Variant type: single nucleotide variant.
Coding change: c.634G>T on transcript NM_002878.4 (MANE Select); coding-DNA position 634, G replaced by T.
Protein change: p.Val212Phe; replaces valine 212 with phenylalanine.
Molecular consequence: missense variant. On other transcripts: non-coding transcript variant (3).
Genome position (GRCh38, 1-based): chr17:35,103,487, C>A on the plus strand (G>T on the coding strand, the complement: RAD51D is on the minus strand). VCF-style: chr17-35103487-C-A. GRCh37 (hg19) VCF-style: chr17-33430506-C-A.
Other names: c.694G>T, p.Val232Phe (NM_001142571.2); c.298G>T, p.Val100Phe (NM_133629.3); short protein forms V100F, V212F, V232F.
Identifiers: ClinVar variation 1753000 (VCV001753000.2), dbSNP rs730881948, ClinGen allele CA399087892.

ClinVar aggregate classification (germline): Uncertain significance (1 of 4 stars; one submission).

Conditions:
Hereditary cancer-predisposing syndrome. Also called: Neoplastic Syndromes, Hereditary; Tumor predisposition; Hereditary Cancer Syndrome; Hereditary neoplastic syndrome. Identifiers: Orphanet 140162, MedGen C0027672, MeSH D009386, MONDO:0015356.

Submission:

Ambry Genetics
Classification: Uncertain significance for Hereditary cancer-predisposing syndrome. Last evaluated: 2021-07-29. Review status: criteria provided, single submitter. Criteria: Ambry Variant Classification Scheme 2023. Collection method: clinical testing. Allele origin: germline.
Comment: The p.V212F variant (also known as c.634G>T), located in coding exon 7 of the RAD51D gene, results from a G to T substitution at nucleotide position 634. The valine at codon 212 is replaced by phenylalanine, an amino acid with highly similar properties. This amino acid position is conserved. In addition, the in silico prediction for this alteration is inconclusive. Since supporting evidence is limited at this time, the clinical significance of this alteration remains unclear.